The following is an entry in ClinVar:

NM_000051.4(ATM):c.350G>T (p.Cys117Phe)

Gene: ATM (ATM serine/threonine kinase; plus strand). Cytogenetic location: 11q22.3.
Variant type: single nucleotide variant.
Coding change: c.350G>T on transcript NM_000051.4 (MANE Select); coding-DNA position 350, G replaced by T.
Protein change: p.Cys117Phe; replaces cysteine 117 with phenylalanine.
Molecular consequence: missense variant.
Genome position (GRCh38, 1-based): chr11:108,235,688, G>T. VCF-style: chr11-108235688-G-T. GRCh37 (hg19) VCF-style: chr11-108106415-G-T.
Other names: c.350G>T, p.Cys117Phe (NM_001351834.2); short protein forms C117F.
Identifiers: ClinVar variation 453472 (VCV000453472.8), dbSNP rs1555059066, ClinGen allele CA382524591.

ClinVar aggregate classification (germline): Uncertain significance. Review status: criteria provided, multiple submitters, no conflicts (2 of 4 stars). 2 submissions from 2 submitters: Uncertain significance (2). Last evaluated 2026-03-30.

Conditions:
Hereditary cancer-predisposing syndrome. Also called: Hereditary Cancer Syndrome; Tumor predisposition; Hereditary neoplastic syndrome; Neoplastic Syndromes, Hereditary. Identifiers: Orphanet 140162, MedGen C0027672, MeSH D009386, MONDO:0015356.
Ataxia-telangiectasia syndrome (AT). Also called: Ataxia telangiectasia (A-T); Cerebello-oculocutaneous telangiectasia; Immunodeficiency with ataxia telangiectasia; LOUIS-BAR SYNDROME; ATAXIA-TELANGIECTASIA, COMPLEMENTATION GROUP A; ATAXIA-TELANGIECTASIA, FRESNO VARIANT. Identifiers: Orphanet 100, MedGen C0004135, MONDO:0008840, OMIM 208900.

Submissions (2):

Ambry Genetics
Classification: Uncertain significance for Hereditary cancer-predisposing syndrome. Last evaluated: 2026-03-30. Review status: criteria provided, single submitter. Criteria: Ambry Variant Classification Scheme 2023. Collection method: clinical testing. Allele origin: germline.
Comment: The p.C117F variant (also known as c.350G>T), located in coding exon 4 of the ATM gene, results from a G to T substitution at nucleotide position 350. The cysteine at codon 117 is replaced by phenylalanine, an amino acid with highly dissimilar properties. In an assay testing ATM function, this variant showed a functionally abnormal result (Lee KS et al. Cell, 2025 Sep;188:5081-5099.e27). This amino acid position is highly conserved in available vertebrate species. In addition, this alteration is predicted to be deleterious by in silico analysis. Based on the available evidence, the clinical significance of this variant remains unclear.

Labcorp Genetics (formerly Invitae), Labcorp
Classification: Uncertain significance for Ataxia-telangiectasia syndrome. Last evaluated: 2017-07-04. Review status: criteria provided, single submitter. Criteria: Invitae Variant Classification Sherloc (09022015). Collection method: clinical testing. Allele origin: germline.
Comment: In summary, the available evidence is currently insufficient to determine the role of this variant in disease. Therefore, it has been classified as a Variant of Uncertain Significance. Algorithms developed to predict the effect of missense changes on protein structure and function do not agree on the potential impact of this missense change (SIFT: "Deleterious"; PolyPhen-2: "Probably Damaging"; Align-GVGD: "Class C0"). This variant has not been reported in the literature in individuals with ATM-related disease. This variant is not present in population databases (ExAC no frequency). This sequence change replaces cysteine with phenylalanine at codon 117 of the ATM protein (p.Cys117Phe). The cysteine residue is highly conserved and there is a large physicochemical difference between cysteine and phenylalanine.

Literature cited by the submitters: PubMed 40580951 (cited by Ambry Genetics).